The following is an entry in ClinVar:

ClinVar aggregate classification (germline): Conflicting classifications of pathogenicity. Review status: criteria provided, conflicting classifications (1 of 4 stars). 4 submissions from 4 submitters: Uncertain significance (2); Benign (1); Likely benign (1). Last evaluated 2025-02-18.

Conditions:
Auriculocondylar syndrome 2 (ARCND2A). Also called: AURICULOCONDYLAR SYNDROME 2A. Identifiers: Orphanet 137888, MedGen C3553404, MONDO:0013845, OMIM 614669.
Inborn genetic diseases. Identifiers: MedGen C0950123, MeSH D030342.

Allele frequency attached by ClinVar (database versions not stated): gnomAD exomes 0.00011 and 0.00026; ExAC 0.00037; ESP Exome Variant Server 0.00054; gnomAD 0.00104 and 0.00114; TOPMed 0.00145.
gnomAD v4.1: 334 of 1,530,984 alleles (0.022%); highest among the groups gnomAD compares: African/African-American, 0.36%; 1 homozygote.

Submissions (4):

Ambry Genetics
Classification: Uncertain significance for Inborn genetic diseases. Last evaluated: 2025-02-18. Review status: criteria provided, single submitter. Criteria: Ambry Variant Classification Scheme 2023. Collection method: clinical testing. Allele origin: germline.

Labcorp Genetics (formerly Invitae), Labcorp
Classification: Likely benign. Last evaluated: 2024-11-10. Review status: criteria provided, single submitter. Criteria: Invitae Variant Classification Sherloc (09022015). Collection method: clinical testing. Allele origin: germline.

GeneDx
Classification: Uncertain significance. Last evaluated: 2018-11-08. Review status: criteria provided, single submitter. Criteria: GeneDx Variant Classification (06012015). Collection method: clinical testing. Allele origin: germline. Affected: yes.
Comment: The D278V variant in the PLCB4 gene has not been reported previously as a pathogenic variant, nor as a benign variant, to our knowledge. The D278V variant was not observed at any significant frequency in approximately 6500 individuals of European and African American ancestry in the NHLBI Exome Sequencing Project, indicating it is not a common benign variant in these populations. The D278V variant is a non-conservative amino acid substitution, which is likely to impact secondary protein structure as these residues differ in polarity, charge, size and/or other properties. This substitution occurs at a position that is conserved across species and in silico analysis predicts this variant is probably damaging to the protein structure/function. We interpret D278V as a variant of uncertain significance.

Illumina Laboratory Services, Illumina
Classification: Benign for Auriculocondylar syndrome 2. Last evaluated: 2018-01-12. Review status: criteria provided, single submitter. Criteria: ICSL Variant Classification Criteria 13 December 2019. Collection method: clinical testing. Allele origin: germline.
Comment: This variant was observed in the ICSL laboratory as part of a predisposition screen in an ostensibly healthy population. It had not been previously curated by ICSL or reported in the Human Gene Mutation Database (HGMD: prior to June 1st, 2018), and was therefore a candidate for classification through an automated scoring system. Utilizing variant allele frequency, disease prevalence and penetrance estimates, and inheritance mode, an automated score was calculated to assess if this variant is too frequent to cause the disease. Based on the score and internal cut-off values, a variant classified as benign is not then subjected to further curation. The score for this variant resulted in a classification of benign for this disease.

NM_001377142.1(PLCB4):c.833A>T (p.Asp278Val)

Gene: PLCB4 (phospholipase C beta 4; plus strand). Cytogenetic location: 20p12.2.
Variant type: single nucleotide variant.
Coding change: c.833A>T on transcript NM_001377142.1 (MANE Select); coding-DNA position 833, A replaced by T.
Protein change: p.Asp278Val; replaces aspartic acid 278 with valine.
Molecular consequence: missense variant.
Genome position (GRCh38, 1-based): chr20:9,380,142, A>T. VCF-style: chr20-9380142-A-T. GRCh37 (hg19) VCF-style: chr20-9360789-A-T.
Other names: c.833A>T, p.Asp278Val (NM_000933.4, NM_001172646.2, NM_001377134.2 and 4 more transcripts); short protein forms D278V.
Identifiers: ClinVar variation 339557 (VCV000339557.9), dbSNP rs147655952, ClinGen allele CA9760926.